The following is an entry in ClinVar:

ClinVar aggregate classification (germline): Conflicting classifications of pathogenicity. Review status: criteria provided, conflicting classifications (1 of 4 stars). 3 submissions from 3 submitters: Uncertain significance (1); Likely benign (2). Last evaluated 2024-12-01.

Allele frequency attached by ClinVar (database versions not stated): ExAC 0.00004; TOPMed 0.00004; gnomAD exomes 0.00005; gnomAD 0.00008.
gnomAD v4.1: 80 of 1,570,740 alleles (0.0051%); highest among the groups gnomAD compares: Middle Eastern, 0.034%; 1 homozygote.

Submissions (3):

CeGaT Center for Human Genetics Tuebingen
Classification: Likely benign. Last evaluated: 2024-12-01. Review status: criteria provided, single submitter. Criteria: CeGaT Center For Human Genetics Tuebingen Variant Classification Criteria Version 2. Collection method: clinical testing. Allele origin: germline. Affected: yes. Observed: 1 variant allele.
Comment: CASZ1: BP4

Labcorp Genetics (formerly Invitae), Labcorp
Classification: Uncertain significance. Last evaluated: 2024-02-11. Review status: criteria provided, single submitter. Criteria: Invitae Variant Classification Sherloc (09022015). Collection method: clinical testing. Allele origin: germline.
Comment: This sequence change replaces alanine, which is neutral and non-polar, with threonine, which is neutral and polar, at codon 919 of the CASZ1 protein (p.Ala919Thr). This variant is present in population databases (rs759961314, gnomAD 0.005%). This variant has not been reported in the literature in individuals affected with CASZ1-related conditions. ClinVar contains an entry for this variant (Variation ID: 2192674). Algorithms developed to predict the effect of missense changes on protein structure and function output the following: SIFT: "Not Available"; PolyPhen-2: "Benign"; Align-GVGD: "Not Available". The threonine amino acid residue is found in multiple mammalian species, which suggests that this missense change does not adversely affect protein function. In summary, the available evidence is currently insufficient to determine the role of this variant in disease. Therefore, it has been classified as a Variant of Uncertain Significance.

Ambry Genetics
Classification: Likely benign. Last evaluated: 2023-11-07. Review status: criteria provided, single submitter. Criteria: Ambry Variant Classification Scheme 2023. Collection method: clinical testing. Allele origin: germline.

NM_001079843.3(CASZ1):c.2755G>A (p.Ala919Thr)

Gene: CASZ1 (castor zinc finger 1; minus strand). Cytogenetic location: 1p36.22.
Variant type: single nucleotide variant.
Coding change: c.2755G>A on transcript NM_001079843.3 (MANE Select); coding-DNA position 2755, G replaced by A.
Protein change: p.Ala919Thr; replaces alanine 919 with threonine.
Molecular consequence: missense variant.
Genome position (GRCh38, 1-based): chr1:10,651,002, C>T on the plus strand (G>A on the coding strand, the complement: CASZ1 is on the minus strand). VCF-style: chr1-10651002-C-T. GRCh37 (hg19) VCF-style: chr1-10711059-C-T.
Other names: c.2755G>A (NM_001079843.1); c.2755G>A, p.Ala919Thr (NM_017766.5); short protein forms A919T.
Identifiers: ClinVar variation 2192674 (VCV002192674.18), dbSNP rs759961314, ClinGen allele CA584749.
Genomic context (GRCh38, chr1:10,651,002, plus strand): 5'-TGGGCTCCTTCACAGTCAGGTCTAGACTGCGGTCCTGGGAGGCTTCGTGGGGGCCTGGGG[C>T]GCCGGTGCTCTCACCGGGTTCCGGCTTCACTTGGGCCGGGGGGAACCTGGCTGGGGTGAC-3'
Protein context (NP_001073312.1, residues 909-929): VKPEPGESTG[Ala919Thr]PGPHEASQDR